The following is an entry in ClinVar:

NM_020166.5(MCCC1):c.1012A>G (p.Thr338Ala)

Gene: MCCC1 (methylcrotonyl-CoA carboxylase subunit 1; minus strand). Cytogenetic location: 3q27.1.
Variant type: single nucleotide variant.
Coding change: c.1012A>G on transcript NM_020166.5 (MANE Select); coding-DNA position 1012, A replaced by G.
Protein change: p.Thr338Ala; replaces threonine 338 with alanine.
Molecular consequence: missense variant. On other transcripts: non-coding transcript variant (2).
Genome position (GRCh38, 1-based): chr3:183,045,484, T>C on the plus strand (A>G on the coding strand, the complement: MCCC1 is on the minus strand). VCF-style: chr3-183045484-T-C. GRCh37 (hg19) VCF-style: chr3-182763272-T-C.
Other names: c.661A>G, p.Thr221Ala (NM_001293273.2); c.685A>G, p.Thr229Ala (NM_001363880.1); short protein forms T229A, T338A, T221A.
Identifiers: ClinVar variation 3639556 (VCV003639556.2).

ClinVar aggregate classification (germline): Uncertain significance (1 of 4 stars; one submission).

Conditions:
3-methylcrotonyl-CoA carboxylase 1 deficiency (MCC1D). Also called: MCCD TYPE 1; METHYLCROTONYLGLYCINURIA TYPE I; MCC 1 deficiency; 3 Alpha methylcrotonylglycinuria 1. Identifiers: Orphanet 6, MedGen CN028786, MONDO:0008861, OMIM 210200.

Submission:

Labcorp Genetics (formerly Invitae), Labcorp
Classification: Uncertain significance for 3-methylcrotonyl-CoA carboxylase 1 deficiency. Last evaluated: 2024-12-02. Review status: criteria provided, single submitter. Criteria: Invitae Variant Classification Sherloc (09022015). Collection method: clinical testing. Allele origin: germline.
Comment: This sequence change replaces threonine, which is neutral and polar, with alanine, which is neutral and non-polar, at codon 338 of the MCCC1 protein (p.Thr338Ala). This variant is not present in population databases (gnomAD no frequency). This variant has not been reported in the literature in individuals affected with MCCC1-related conditions. Invitae Evidence Modeling of protein sequence and biophysical properties (such as structural, functional, and spatial information, amino acid conservation, physicochemical variation, residue mobility, and thermodynamic stability) has been performed for this missense variant. However, the output from this modeling did not meet the statistical confidence thresholds required to predict the impact of this variant on MCCC1 protein function. In summary, the available evidence is currently insufficient to determine the role of this variant in disease. Therefore, it has been classified as a Variant of Uncertain Significance.